The following is an entry in ClinVar:

NM_002458.3(MUC5B):c.9530C>G (p.Thr3177Ser)

Genes: MUC5B (mucin 5B, oligomeric mucus/gel-forming; plus strand), MUC5B-AS1 (MUC5B antisense RNA 1; minus strand). Cytogenetic location: 11p15.5.
Variant type: single nucleotide variant.
Coding change: c.9530C>G on transcript NM_002458.3 (MANE Select); coding-DNA position 9530, C replaced by G.
Protein change: p.Thr3177Ser; replaces threonine 3177 with serine.
Molecular consequence: missense variant.
Genome position (GRCh38, 1-based): chr11:1,246,410, C>G. VCF-style: chr11-1246410-C-G. GRCh37 (hg19) VCF-style: chr11-1267640-C-G.
Other names: short protein forms T3177S.
Identifiers: ClinVar variation 2641253 (VCV002641253.25), dbSNP rs200012359, ClinGen allele CA5807037.

ClinVar aggregate classification (germline): Likely benign. Review status: criteria provided, multiple submitters, no conflicts (2 of 4 stars). 2 submissions from 2 submitters: Likely benign (2). Last evaluated 2024-11-26.

Allele frequency attached by ClinVar (database versions not stated): 1000 Genomes Project 0.01158; 1000 Genomes Project 30x 0.01437; gnomAD 0.02241; ExAC 0.02551.
gnomAD v4.1: 37,469 of 1,595,636 alleles (2.3%); highest among the groups gnomAD compares: Non-Finnish European, 2.5%; 2 homozygotes.

Submissions (2):

Blueprint Genetics
Classification: Likely benign. Last evaluated: 2024-11-26. Review status: criteria provided, single submitter. Criteria: ACMG Guidelines, 2015. Collection method: clinical testing. Allele origin: germline.

CeGaT Center for Human Genetics Tuebingen
Classification: Likely benign. Last evaluated: 2024-04-01. Review status: criteria provided, single submitter. Criteria: CeGaT Center For Human Genetics Tuebingen Variant Classification Criteria Version 2. Collection method: clinical testing. Allele origin: germline. Affected: yes. Observed: 4 variant alleles.
Comment: MUC5B: BP4, BS1